The following is an entry in ClinVar:

NM_000631.5(NCF4):c.170G>T (p.Arg57Leu)

Genes: NCF4-AS1 (NCF4 antisense RNA 1; minus strand), NCF4 (neutrophil cytosolic factor 4; plus strand). Cytogenetic location: 22q12.3.
Variant type: single nucleotide variant.
Coding change: c.170G>T on transcript NM_000631.5 (MANE Select); coding-DNA position 170, G replaced by T.
Protein change: p.Arg57Leu; replaces arginine 57 with leucine.
Molecular consequence: missense variant.
Genome position (GRCh38, 1-based): chr22:36,864,971, G>T. VCF-style: chr22-36864971-G-T. GRCh37 (hg19) VCF-style: chr22-37261013-G-T.
Other names: c.170G>T, p.Arg57Leu (NM_013416.4); short protein forms R57L.
Identifiers: ClinVar variation 853519 (VCV000853519.7), dbSNP rs746353194, ClinGen allele CA10212879.

ClinVar aggregate classification (germline): Uncertain significance. Review status: criteria provided, multiple submitters, no conflicts (2 of 4 stars). 2 submissions from 2 submitters: Uncertain significance (2). Last evaluated 2022-07-19.

Conditions:
Granulomatous disease, chronic, autosomal recessive, cytochrome b-positive, type 3. Also called: CGD, AUTOSOMAL RECESSIVE CYTOCHROME b-POSITIVE, TYPE III; GRANULOMATOUS DISEASE, CHRONIC, AUTOSOMAL RECESSIVE, 3; GRANULOMATOUS DISEASE, CHRONIC, DUE TO NCF4 DEFICIENCY; Granulomatous disease, chronic, autosomal recessive, cytochrome b-positive, type III. Identifiers: Orphanet 379, MedGen C3151409, MONDO:0013507, OMIM 613960.

Allele frequency attached by ClinVar (database versions not stated): ExAC 0.00001; TOPMed 0.00001.
gnomAD v4.1: 5 of 1,613,926 alleles (0.00031%); highest among the groups gnomAD compares: Admixed American, 0.005%; no homozygotes.

Submissions (2):

Labcorp Genetics (formerly Invitae), Labcorp
Classification: Uncertain significance for Granulomatous disease, chronic, autosomal recessive, cytochrome b-positive, type 3. Last evaluated: 2022-07-19. Review status: criteria provided, single submitter. Criteria: Invitae Variant Classification Sherloc (09022015). Collection method: clinical testing. Allele origin: germline.
Comment: This variant has not been reported in the literature in individuals affected with NCF4-related conditions. ClinVar contains an entry for this variant (Variation ID: 853519). Algorithms developed to predict the effect of missense changes on protein structure and function are either unavailable or do not agree on the potential impact of this missense change (SIFT: "Deleterious"; PolyPhen-2: "Probably Damaging"; Align-GVGD: "Class C0"). In summary, the available evidence is currently insufficient to determine the role of this variant in disease. Therefore, it has been classified as a Variant of Uncertain Significance. This variant is present in population databases (rs746353194, gnomAD 0.009%). This sequence change replaces arginine, which is basic and polar, with leucine, which is neutral and non-polar, at codon 57 of the NCF4 protein (p.Arg57Leu).

Fulgent Genetics
Classification: Uncertain significance for Granulomatous disease, chronic, autosomal recessive, cytochrome b-positive, type 3. Last evaluated: 2021-11-04. Review status: criteria provided, single submitter. Criteria: ACMG Guidelines, 2015. Collection method: clinical testing. Allele origin: unknown.